The following is an entry in ClinVar:

NM_032317.3(DNAJC30):c.603C>T (p.Leu201=)

Gene: DNAJC30 (DnaJ heat shock protein family (Hsp40) member C30; minus strand). Cytogenetic location: 7q11.23.
Variant type: single nucleotide variant.
Coding change: c.603C>T on transcript NM_032317.3 (MANE Select); coding-DNA position 603, C replaced by T.
Protein change: p.Leu201=; no amino-acid change (leucine 201 retained).
Molecular consequence: synonymous variant.
Genome position (GRCh38, 1-based): chr7:73,682,821, G>A on the plus strand (C>T on the coding strand, the complement: DNAJC30 is on the minus strand). VCF-style: chr7-73682821-G-A. GRCh37 (hg19) VCF-style: chr7-73097151-G-A.
Identifiers: ClinVar variation 2657564 (VCV002657564.24), dbSNP rs2484462747, ClinGen allele CA456052699.

ClinVar aggregate classification (germline): Likely benign (1 of 4 stars; one submission).

Submission:

CeGaT Center for Human Genetics Tuebingen
Classification: Likely benign. Last evaluated: 2023-04-01. Review status: criteria provided, single submitter. Criteria: CeGaT Center For Human Genetics Tuebingen Variant Classification Criteria Version 2. Collection method: clinical testing. Allele origin: germline. Affected: yes. Observed: 1 variant allele.
Comment: DNAJC30: PM2:Supporting, BP4, BP7